The following is an entry in ClinVar:

NM_024675.4(PALB2):c.1783G>A (p.Asp595Asn)

Gene: PALB2 (partner and localizer of BRCA2; minus strand). Cytogenetic location: 16p12.2.
Variant type: single nucleotide variant.
Coding change: c.1783G>A on transcript NM_024675.4 (MANE Select); coding-DNA position 1783, G replaced by A.
Protein change: p.Asp595Asn; replaces aspartic acid 595 with asparagine.
Molecular consequence: missense variant.
Genome position (GRCh38, 1-based): chr16:23,630,371, C>T on the plus strand (G>A on the coding strand, the complement: PALB2 is on the minus strand). VCF-style: chr16-23630371-C-T. GRCh37 (hg19) VCF-style: chr16-23641692-C-T.
Other names: short protein forms D595N.
Identifiers: ClinVar variation 480234 (VCV000480234.15), dbSNP rs1555460653, ClinGen allele CA395128128.

ClinVar aggregate classification (germline): Conflicting classifications of pathogenicity. Review status: criteria provided, conflicting classifications (1 of 4 stars). 2 submissions from 2 submitters: Uncertain significance (1); Likely benign (1). Last evaluated 2023-10-30.

Conditions:
Familial cancer of breast. Also called: BREAST CANCER, FAMILIAL; Hereditary breast cancer; hereditary breast carcinoma. Identifiers: Orphanet 227535, MedGen C0346153, MONDO:0016419, OMIM 114480. Disease mechanism: loss of function.
Hereditary cancer-predisposing syndrome. Also called: Hereditary Cancer Syndrome; Neoplastic Syndromes, Hereditary; Tumor predisposition; Hereditary neoplastic syndrome. Identifiers: Orphanet 140162, MedGen C0027672, MeSH D009386, MONDO:0015356.

Submissions (2):

Labcorp Genetics (formerly Invitae), Labcorp
Classification: Uncertain significance for Familial cancer of breast. Last evaluated: 2023-10-30. Review status: criteria provided, single submitter. Criteria: Invitae Variant Classification Sherloc (09022015). Collection method: clinical testing. Allele origin: germline.
Comment: This sequence change replaces aspartic acid, which is acidic and polar, with asparagine, which is neutral and polar, at codon 595 of the PALB2 protein (p.Asp595Asn). This variant is not present in population databases (gnomAD no frequency). This variant has not been reported in the literature in individuals affected with PALB2-related conditions. ClinVar contains an entry for this variant (Variation ID: 480234). Advanced modeling of protein sequence and biophysical properties (such as structural, functional, and spatial information, amino acid conservation, physicochemical variation, residue mobility, and thermodynamic stability) performed at Invitae indicates that this missense variant is not expected to disrupt PALB2 protein function with a negative predictive value of 80%. In summary, the available evidence is currently insufficient to determine the role of this variant in disease. Therefore, it has been classified as a Variant of Uncertain Significance.

Ambry Genetics
Classification: Likely benign for Hereditary cancer-predisposing syndrome. Last evaluated: 2015-10-31. Review status: criteria provided, single submitter. Criteria: Ambry Variant Classification Scheme 2023. Collection method: clinical testing. Allele origin: germline.